The following is an entry in ClinVar:

NM_016373.4(WWOX):c.872T>C (p.Leu291Pro)

Gene: WWOX (WW domain containing oxidoreductase; plus strand). Cytogenetic location: 16q23.1.
Variant type: single nucleotide variant.
Coding change: c.872T>C on transcript NM_016373.4 (MANE Select); coding-DNA position 872, T replaced by C.
Protein change: p.Leu291Pro; replaces leucine 291 with proline.
Molecular consequence: missense variant.
Genome position (GRCh38, 1-based): chr16:78,432,568, T>C. VCF-style: chr16-78432568-T-C. GRCh37 (hg19) VCF-style: chr16-78466465-T-C.
Other names: c.533T>C, p.Leu178Pro (NM_001291997.2); short protein forms L291P, L178P.
Identifiers: ClinVar variation 5203 (VCV000005203.4), dbSNP rs119487098, ClinGen allele CA117326.

ClinVar aggregate classification (germline): Uncertain significance. Review status: criteria provided, single submitter (1 of 4 stars). 2 submissions from 2 submitters: Uncertain significance (1). 1 of the submissions does not count toward it. Last evaluated 2022-07-25.

Conditions:
Esophageal squamous cell carcinoma, somatic. Identifiers: MedGen C4016881.
Developmental and epileptic encephalopathy, 1 (DEE1). Also called: X-linked infantile spasms; West's syndrome; Tonic spasms with clustering, arrest of psychomotor development and hypsarrhythmia on EEG; X-Linked Infantile Spasm Syndrome; INFANTILE SPASM SYNDROME, X-LINKED 1; OHTAHARA SYNDROME, X-LINKED. Identifiers: MedGen C3463992, MONDO:0010632, OMIM 308350. Disease mechanism: loss of function.
Autosomal recessive spinocerebellar ataxia 12. Also called: SPINOCEREBELLAR ATAXIA WITH MENTAL RETARDATION AND EPILEPSY. Identifiers: Orphanet 284282, MedGen C3280452, MONDO:0013687, OMIM 614322.

Submissions (2):

Labcorp Genetics (formerly Invitae), Labcorp
Classification: Uncertain significance for Developmental and epileptic encephalopathy, 1; Autosomal recessive spinocerebellar ataxia 12. Last evaluated: 2022-07-25. Review status: criteria provided, single submitter. Criteria: Invitae Variant Classification Sherloc (09022015). Collection method: clinical testing. Allele origin: germline.
Comment: This sequence change replaces leucine, which is neutral and non-polar, with proline, which is neutral and non-polar, at codon 291 of the WWOX protein (p.Leu291Pro). This variant is not present in population databases (gnomAD no frequency). This variant has not been reported in the literature in individuals affected with WWOX-related conditions. ClinVar contains an entry for this variant (Variation ID: 5203). Algorithms developed to predict the effect of missense changes on protein structure and function are either unavailable or do not agree on the potential impact of this missense change (SIFT: "Not Available"; PolyPhen-2: "Benign"; Align-GVGD: "Not Available"). In summary, the available evidence is currently insufficient to determine the role of this variant in disease. Therefore, it has been classified as a Variant of Uncertain Significance.

OMIM
Classification: Pathogenic for ESOPHAGEAL SQUAMOUS CELL CARCINOMA, SOMATIC. Last evaluated: 2002-04-15. Review status: no assertion criteria provided. Collection method: literature only. Allele origin: somatic. Not counted in ClinVar's aggregate classification.

Literature cited by the submitters: PubMed 11956080 (cited by OMIM).